The following is an entry in ClinVar:

ClinVar aggregate classification (germline): Uncertain significance. Review status: criteria provided, multiple submitters, no conflicts (2 of 4 stars). 2 submissions from 2 submitters: Uncertain significance (2). Last evaluated 2025-10-24.

Allele frequency attached by ClinVar (database versions not stated): gnomAD 0.00003 and 0.00004; gnomAD exomes 0.00006 and 0.00003; TOPMed 0.00008; ExAC 0.00004.
gnomAD v4.1: 53 of 1,608,742 alleles (0.0033%); highest among the groups gnomAD compares: African/African-American, 0.0027%; no homozygotes.

Submissions (2):

Labcorp Genetics (formerly Invitae), Labcorp
Classification: Uncertain significance. Last evaluated: 2025-10-24. Review status: criteria provided, single submitter. Criteria: Invitae Variant Classification Sherloc (09022015). Collection method: clinical testing. Allele origin: germline.
Comment: This sequence change replaces serine, which is neutral and polar, with leucine, which is neutral and non-polar, at codon 458 of the MKL1 protein (p.Ser458Leu). This variant is present in population databases (rs746194227, gnomAD 0.1%), and has an allele count higher than expected for a pathogenic variant. This variant has not been reported in the literature in individuals affected with MKL1-related conditions. ClinVar contains an entry for this variant (Variation ID: 1683056). An algorithm developed to predict the effect of missense changes on protein structure and function (PolyPhen-2) suggests that this variant is likely to be disruptive. In summary, the available evidence is currently insufficient to determine the role of this variant in disease. Therefore, it has been classified as a Variant of Uncertain Significance.

Ambry Genetics
Classification: Uncertain significance. Last evaluated: 2022-12-19. Review status: criteria provided, single submitter. Criteria: Ambry Variant Classification Scheme 2023. Collection method: clinical testing. Allele origin: germline.

NM_020831.6(MRTFA):c.1673C>T (p.Ser558Leu)

Gene: MRTFA (myocardin related transcription factor A; minus strand). Cytogenetic location: 22q13.1.
Variant type: single nucleotide variant.
Coding change: c.1673C>T on transcript NM_020831.6 (MANE Select); coding-DNA position 1673, C replaced by T.
Protein change: p.Ser558Leu; replaces serine 558 with leucine.
Molecular consequence: missense variant.
Genome position (GRCh38, 1-based): chr22:40,419,065, G>A on the plus strand (C>T on the coding strand, the complement: MRTFA is on the minus strand). VCF-style: chr22-40419065-G-A. GRCh37 (hg19) VCF-style: chr22-40815069-G-A.
Other names: c.1373C>T, p.Ser458Leu (NM_001282660.2); c.1523C>T, p.Ser508Leu (NM_001282661.3); c.1673C>T, p.Ser558Leu (NM_001282662.3); c.1478C>T, p.Ser493Leu (NM_001318139.2); c.1373C>T (NM_020831.3); short protein forms S458L, S493L, S508L, S558L.
Identifiers: ClinVar variation 1683056 (VCV001683056.9), dbSNP rs746194227, ClinGen allele CA10249597.
Genomic context (GRCh38, chr22:40,419,065, plus strand): 5'-TCACCAAAGGTGTCCCCGGGGGTGGAGTTTTCATCGCCCGTGCTGAGCAGTGAGCGCTCC[G>A]AGGGGGTGGGAGACACGGGGGGCGTGGAGCCCGTGCTGCCAAACTTCACCACCCCACTGC-3'
Protein context (NP_065882.2, residues 548-568): GSTPPVSPTP[Ser558Leu]ERSLLSTGDE